The following is an entry in ClinVar:

NM_001379291.1(BRD4):c.2937A>G (p.Pro979=)

Gene: BRD4 (bromodomain containing 4; minus strand). Cytogenetic location: 19p13.12.
Variant type: single nucleotide variant.
Coding change: c.2937A>G on transcript NM_001379291.1 (MANE Select); coding-DNA position 2937, A replaced by G.
Protein change: p.Pro979=; no amino-acid change (proline 979 retained).
Molecular consequence: synonymous variant.
Genome position (GRCh38, 1-based): chr19:15,243,132, T>C on the plus strand (A>G on the coding strand, the complement: BRD4 is on the minus strand). VCF-style: chr19-15243132-T-C. GRCh37 (hg19) VCF-style: chr19-15353943-T-C.
Other names: c.2937A>G, p.Pro979= (NM_058243.3).
Identifiers: ClinVar variation 2724630 (VCV002724630.4), dbSNP rs1011877373, ClinGen allele CA506080207.
Genomic context (GRCh38, chr19:15,243,132, plus strand): 5'-CAAGTGCACGGGCCGTGGAGGGGGCTGATGCTGCTGCTGGGGTGGAGGCTGGGGCTGGGG[T>C]GGTGGGGGTGGTGGCGGCTGCTGCTGCAGCTGCTGCTGCACAGAGGGGTGGGGTGGGGGC-3'
Protein context (NP_001366220.1, residues 969-989): QLQQQPPPPP[Pro979=]PQPQPPPQQQ

ClinVar aggregate classification (germline): Benign/Likely benign. Review status: criteria provided, multiple submitters, no conflicts (2 of 4 stars). 2 submissions from 2 submitters: Benign (1); Likely benign (1). Last evaluated 2026-09-01.

Allele frequency attached by ClinVar (database versions not stated): gnomAD 0.00001.
gnomAD v4.1: 10 of 216,416 alleles (0.0046%); highest among the groups gnomAD compares: Admixed American, 0.046%; no homozygotes.

Submissions (2):

CeGaT Center for Human Genetics Tuebingen
Classification: Likely benign. Last evaluated: 2026-09-01. Review status: criteria provided, single submitter. Criteria: CeGaT Center For Human Genetics Tuebingen Variant Classification Criteria Version 2. Collection method: clinical testing. Allele origin: germline. Affected: yes. Observed: 1 variant allele.
Comment: BRD4: BP4, BP7

Labcorp Genetics (formerly Invitae), Labcorp
Classification: Benign. Last evaluated: 2024-09-20. Review status: criteria provided, single submitter. Criteria: Invitae Variant Classification Sherloc (09022015). Collection method: clinical testing. Allele origin: germline.